The following is an entry in ClinVar:

NM_004100.5(EYA4):c.955C>G (p.Leu319Val)

Gene: EYA4 (EYA transcriptional coactivator and phosphatase 4; plus strand). Cytogenetic location: 6q23.2.
Variant type: single nucleotide variant.
Coding change: c.955C>G on transcript NM_004100.5 (MANE Select); coding-DNA position 955, C replaced by G.
Protein change: p.Leu319Val; replaces leucine 319 with valine.
Molecular consequence: missense variant.
Genome position (GRCh38, 1-based): chr6:133,468,716, C>G. VCF-style: chr6-133468716-C-G. GRCh37 (hg19) VCF-style: chr6-133789854-C-G.
Other names: c.793C>G, p.Leu265Val (NM_001301012.2, NM_001370459.1); c.955C>G, p.Leu319Val (NM_001301013.2, NM_172105.4); c.886C>G, p.Leu296Val (NM_001370458.1, NM_172103.4); short protein forms L319V, L265V, L296V.
Identifiers: ClinVar variation 534389 (VCV000534389.9), dbSNP rs370874438, ClinGen allele CA365703913.

ClinVar aggregate classification (germline): Uncertain significance. Review status: criteria provided, multiple submitters, no conflicts (2 of 4 stars). 2 submissions from 2 submitters: Uncertain significance (2). Last evaluated 2025-03-04.

Conditions:
Dilated cardiomyopathy 1J (CMD1J). Also called: CARDIOMYOPATHY, DILATED, WITH SENSORINEURAL HEARING LOSS, AUTOSOMAL DOMINANT. Identifiers: Orphanet 217622, MedGen C1854368, MONDO:0011541, OMIM 605362.
Cardiovascular phenotype. Identifiers: MedGen CN230736.

Submissions (2):

Ambry Genetics
Classification: Uncertain significance for Cardiovascular phenotype. Last evaluated: 2025-03-04. Review status: criteria provided, single submitter. Criteria: Ambry Variant Classification Scheme 2023. Collection method: clinical testing. Allele origin: germline.
Comment: The p.L319V variant (also known as c.955C>G), located in coding exon 10 of the EYA4 gene, results from a C to G substitution at nucleotide position 955. The leucine at codon 319 is replaced by valine, an amino acid with highly similar properties. This amino acid position is conserved. In addition, this alteration is predicted to be tolerated by in silico analysis. Based on the available evidence, the clinical significance of this variant remains unclear.

Labcorp Genetics (formerly Invitae), Labcorp
Classification: Uncertain significance for Dilated cardiomyopathy 1J. Last evaluated: 2022-07-17. Review status: criteria provided, single submitter. Criteria: Invitae Variant Classification Sherloc (09022015). Collection method: clinical testing. Allele origin: germline.
Comment: This sequence change replaces leucine, which is neutral and non-polar, with valine, which is neutral and non-polar, at codon 319 of the EYA4 protein (p.Leu319Val). This variant is not present in population databases (gnomAD no frequency). This variant has not been reported in the literature in individuals affected with EYA4-related conditions. ClinVar contains an entry for this variant (Variation ID: 534389). Algorithms developed to predict the effect of missense changes on protein structure and function are either unavailable or do not agree on the potential impact of this missense change (SIFT: "Deleterious"; PolyPhen-2: "Benign"; Align-GVGD: "Class C0"). In summary, the available evidence is currently insufficient to determine the role of this variant in disease. Therefore, it has been classified as a Variant of Uncertain Significance.